The following is an entry in ClinVar:

NM_000384.3(APOB):c.703T>C (p.Leu235=)

Gene: APOB (apolipoprotein B; minus strand). Cytogenetic location: 2p24.1.
Variant type: single nucleotide variant.
Coding change: c.703T>C on transcript NM_000384.3 (MANE Select); coding-DNA position 703, T replaced by C.
Protein change: p.Leu235=; no amino-acid change (leucine 235 retained).
Molecular consequence: synonymous variant.
Genome position (GRCh38, 1-based): chr2:21,035,699, A>G on the plus strand (T>C on the coding strand, the complement: APOB is on the minus strand). VCF-style: chr2-21035699-A-G. GRCh37 (hg19) VCF-style: chr2-21258571-A-G.
Other names: c.703T>C (NM_000384.2).
Identifiers: ClinVar variation 1152032 (VCV001152032.10), dbSNP rs1330324619, ClinGen allele CA425120304.

ClinVar aggregate classification (germline): Likely benign. Review status: criteria provided, multiple submitters, no conflicts (2 of 4 stars). 2 submissions from 2 submitters: Likely benign (2). Last evaluated 2025-01-09.

Conditions:
Familial hypobetalipoproteinemia 1. Also called: Hypobetalipoproteinemia, normotriglyceridemic; Acanthocytosis with hypobetalipoproteinemia; APOB-Related Familial Hypobetalipoproteinemia. Identifiers: MedGen C4551990, MONDO:0014252, OMIM 615558.
Hypercholesterolemia, autosomal dominant, type B (FHCL2). Also called: Familial Hypercholesterolemia Type B; APOLIPOPROTEIN B-100, FAMILIAL DEFECTIVE; APOLIPOPROTEIN B-100, FAMILIAL LIGAND-DEFECTIVE; HYPERCHOLESTEROLEMIA, FAMILIAL, DUE TO LIGAND-DEFECTIVE APOLIPOPROTEIN B; APOB-Related Familial Hypercholesterolemia, Autosomal Dominant; Hyperlipoproteinemia Type IIb. Identifiers: MedGen C1704417, MONDO:0007751, OMIM 144010.
Familial hypercholesterolemia. Also called: Familial hypercholesterolemias; Familial hypercholesterolaemia. Identifiers: MedGen C0020445, MONDO:0005439.

Allele frequency attached by ClinVar (database versions not stated): gnomAD exomes below 0.00001 and 0.00001; TOPMed below 0.00001; gnomAD 0.00001.
gnomAD v4.1: 4 of 1,613,964 alleles (0.00025%); highest among the groups gnomAD compares: Non-Finnish European, 0.00034%; no homozygotes.

Submissions (2):

GENinCode PLC
Classification: Likely benign for Familial hypercholesterolemia. Last evaluated: 2025-01-09. Review status: criteria provided, single submitter. Criteria: ACMG Guidelines, 2015. Collection method: clinical testing. Allele origin: germline.
Comment: This is a synonymous (silent) variant that is not predicted to impact splicing and occurs at a nucleotide which is not highly conserved. This variant has been classified as Likely Benign (BP4, BP7).

Labcorp Genetics (formerly Invitae), Labcorp
Classification: Likely benign for Familial hypobetalipoproteinemia 1; Hypercholesterolemia, autosomal dominant, type B. Last evaluated: 2023-09-08. Review status: criteria provided, single submitter. Criteria: Invitae Variant Classification Sherloc (09022015). Collection method: clinical testing. Allele origin: germline.